The following is an entry in ClinVar:

ClinVar aggregate classification (germline): Likely benign. Review status: criteria provided, multiple submitters, no conflicts (2 of 4 stars). 7 submissions from 7 submitters: Likely benign (7). Last evaluated 2026-06-10.

Conditions:
Cardiovascular phenotype. Identifiers: MedGen CN230736.
Hereditary hemorrhagic telangiectasia (HHT). Also called: ORW DISEASE; Osler Weber Rendu syndrome; OSLER-RENDU-WEBER DISEASE; Osler hemorrhagic telangiectasia syndrome. Identifiers: Orphanet 774, MedGen C0039445, MONDO:0019180. Disease mechanism: loss of function.
ENG-related disorder. Also called: ENG-related condition; ENG-related disorders.
Telangiectasia, hereditary hemorrhagic, type 1 (HHT1). Also called: Osler Weber Rendu syndrome type 1; ENG-Related Hereditary Hemorrhagic Telangiectasia. Identifiers: Orphanet 774, MedGen C4551861, MONDO:0008535, OMIM 187300. Disease mechanism: loss of function.

Allele frequency attached by ClinVar (database versions not stated): gnomAD 0.00016; TOPMed 0.00022; ESP Exome Variant Server 0.00015.
gnomAD v4.1: 289 of 1,614,008 alleles (0.018%); highest among the groups gnomAD compares: Non-Finnish European, 0.022%; no homozygotes.

Submissions (7):

PreventionGenetics, part of Exact Sciences
Classification: Likely benign for ENG-related condition. Last evaluated: 2026-06-10. Review status: criteria provided, single submitter. Criteria: ACMG Guidelines, 2015. Collection method: clinical testing. Allele origin: germline.
Comment: This variant is classified as likely benign based on ACMG/AMP sequence variant interpretation guidelines (Richards et al. 2015 PMID: 25741868, with internal and published modifications).

Labcorp Genetics (formerly Invitae), Labcorp
Classification: Likely benign for Hereditary hemorrhagic telangiectasia. Last evaluated: 2025-12-07. Review status: criteria provided, single submitter. Criteria: Invitae Variant Classification Sherloc (09022015). Collection method: clinical testing. Allele origin: germline.

ARUP Laboratories, Molecular Genetics and Genomics, ARUP Laboratories
Classification: Likely benign for Telangiectasia, hereditary hemorrhagic, type 1. Last evaluated: 2025-07-11. Review status: criteria provided, single submitter. Criteria: ARUP Molecular Germline Variant Investigation Process 2024. Collection method: clinical testing. Allele origin: germline.

Blueprint Genetics
Classification: Likely benign. Last evaluated: 2024-09-03. Review status: criteria provided, single submitter. Criteria: ACMG Guidelines, 2015. Collection method: clinical testing. Allele origin: germline.

Ambry Genetics
Classification: Likely benign for Cardiovascular phenotype. Last evaluated: 2019-02-16. Review status: criteria provided, single submitter. Criteria: Ambry Variant Classification Scheme 2023. Collection method: clinical testing. Allele origin: germline.

Illumina Laboratory Services, Illumina
Classification: Likely benign for Telangiectasia, hereditary hemorrhagic, type 1. Last evaluated: 2018-01-12. Review status: criteria provided, single submitter. Criteria: ICSL Variant Classification Criteria 13 December 2019. Collection method: clinical testing. Allele origin: germline.
Comment: This variant was observed in the ICSL laboratory as part of a predisposition screen in an ostensibly healthy population. It had not been previously curated by ICSL or reported in the Human Gene Mutation Database (HGMD: prior to June 1st, 2018), and was therefore a candidate for classification through an automated scoring system. Utilizing variant allele frequency, disease prevalence and penetrance estimates, and inheritance mode, an automated score was calculated to assess if this variant is too frequent to cause the disease. Based on the score and internal cut-off values, a variant classified as likely benign is not then subjected to further curation. The score for this variant resulted in a classification of likely benign for this disease.

GeneDx
Classification: Likely benign. Last evaluated: 2016-05-05. Review status: criteria provided, single submitter. Criteria: GeneDx Variant Classification (06012015). Collection method: clinical testing. Allele origin: germline. Affected: yes.
Comment: This variant is considered likely benign or benign based on one or more of the following criteria: it is a conservative change, it occurs at a poorly conserved position in the protein, it is predicted to be benign by multiple in silico algorithms, and/or has population frequency not consistent with disease.

NM_001114753.3(ENG):c.291G>C (p.Leu97=)

Gene: ENG (endoglin; minus strand). Cytogenetic location: 9q34.11.
Variant type: single nucleotide variant.
Coding change: c.291G>C on transcript NM_001114753.3 (MANE Select); coding-DNA position 291, G replaced by C.
Protein change: p.Leu97=; no amino-acid change (leucine 97 retained).
Molecular consequence: synonymous variant. On other transcripts: 5 prime UTR variant (1).
Genome position (GRCh38, 1-based): chr9:127,829,756, C>G on the plus strand (G>C on the coding strand, the complement: ENG is on the minus strand). VCF-style: chr9-127829756-C-G. GRCh37 (hg19) VCF-style: chr9-130592035-C-G.
Other names: c.291G>C, p.Leu97= (NM_000118.4, NM_001406715.1); c.-256G>C (NM_001278138.2); c.291G>C (NM_001114753.1).
Identifiers: ClinVar variation 386058 (VCV000386058.20), dbSNP rs376641299, ClinGen allele CA5253168.